The following is an entry in ClinVar:

NM_001035.3(RYR2):c.6555+322C>A

Gene: RYR2 (ryanodine receptor 2; plus strand). Cytogenetic location: 1q43.
Variant type: single nucleotide variant.
Coding change: c.6555+322C>A on transcript NM_001035.3 (MANE Select); 322 bases into the intron after coding-DNA position 6555, C replaced by A.
Molecular consequence: intron variant.
Genome position (GRCh38, 1-based): chr1:237,631,863, C>A. VCF-style: chr1-237631863-C-A. GRCh37 (hg19) VCF-style: chr1-237795163-C-A.
Identifiers: ClinVar variation 672818 (VCV000672818.1), dbSNP rs192287844, ClinGen allele CA39842750.
Genomic context (GRCh38, chr1:237,631,863, plus strand): 5'-TGTTTTTAGTAGAGACGGGGTTTCACTGTGTTAGCCAGGATGGTCTCGATCTCCTGACCT[C>A]GTGATCCGCCCGCCTTGGCCTCCCCTCCCGAAGTGCTGGGATTACAGGCGTGAGCCACCG-3'

ClinVar aggregate classification (germline): Likely benign (1 of 4 stars; one submission).

Allele frequency attached by ClinVar (database versions not stated): TOPMed 0.00753; 1000 Genomes Project 30x 0.01577; 1000 Genomes Project 0.01817.
gnomAD v4.1: 949 of 76,054 alleles (1.2%); highest among the groups gnomAD compares: East Asian, 6.7%; 12 homozygotes.

Submission:

GeneDx
Classification: Likely benign. Last evaluated: 2018-06-14. Review status: criteria provided, single submitter. Criteria: GeneDx Variant Classification (06012015). Collection method: clinical testing. Allele origin: germline. Affected: yes.
Comment: This variant is considered likely benign or benign based on one or more of the following criteria: it is a conservative change, it occurs at a poorly conserved position in the protein, it is predicted to be benign by multiple in silico algorithms, and/or has population frequency not consistent with disease.